The following is an entry in ClinVar:

NM_001267550.2(TTN):c.*25C>T

Genes: TTN (titin; minus strand), TTN-AS1 (TTN antisense RNA 1; plus strand). Cytogenetic location: 2q31.2.
Variant type: single nucleotide variant.
Coding change: c.*25C>T on transcript NM_001267550.2 (MANE Select); 25 bases downstream of the stop codon, C replaced by T.
Molecular consequence: 3 prime UTR variant.
Genome position (GRCh38, 1-based): chr2:178,526,987, G>A on the plus strand (C>T on the coding strand, the complement: TTN is on the minus strand). VCF-style: chr2-178526987-G-A. GRCh37 (hg19) VCF-style: chr2-179391714-G-A.
Other names: c.*25C>T (NM_001256850.1, NM_003319.4, NM_133432.3 and 2 more transcripts).
Identifiers: ClinVar variation 332676 (VCV000332676.5), dbSNP rs370597649, ClinGen allele CA1984847.
Genomic context (GRCh38, chr2:178,526,987, plus strand): 5'-ATATTTACAGTTCAGAAAGATTAGTCCGTGTGAAACGTTTGCGAAAAGTTAAGAATGAGT[G>A]TAGAGTATAAGGGCACAGGCCCTCTTAAATGGATCGAATATGTATATTCACAGTGGCAGA-3'

ClinVar aggregate classification (germline): Conflicting classifications of pathogenicity. Review status: criteria provided, conflicting classifications (1 of 4 stars). 5 submissions from 1 submitter: Uncertain significance (3); Benign (1); Likely benign (1). Last evaluated 2018-01-13.

Conditions:
Tibial muscular dystrophy (TMD). Also called: Udd Distal Myopathy – Tibial Muscular Dystrophy; UDD MYOPATHY; Tibial muscular dystrophy, tardive. Identifiers: Orphanet 609, MedGen C1838244, MONDO:0010870, OMIM 600334.
Early-onset myopathy with fatal cardiomyopathy (CMYO5). Also called: CONGENITAL MYOPATHY 5 WITH CARDIOMYOPATHY; Salih Myopathy. Identifiers: Orphanet 289377, MedGen C2673677, MONDO:0012714, OMIM 611705. Disease mechanism: loss of function.
Myopathy, myofibrillar, 9, with early respiratory failure (MFM9). Also called: Myopathy, distal, with early respiratory failure, autosomal dominant; Hereditary myopathy with early respiratory failure; EDSTROM MYOPATHY; MYOPATHY, PROXIMAL, WITH EARLY RESPIRATORY MUSCLE INVOLVEMENT. Identifiers: Orphanet 178464, Orphanet 34521, MedGen C1863599, MONDO:0011362, OMIM 603689.
Autosomal recessive limb-girdle muscular dystrophy type 2J (LGMDR10). Also called: MUSCULAR DYSTROPHY, LIMB-GIRDLE, AUTOSOMAL RECESSIVE 10; Limb-girdle muscular dystrophy, type 2J. Identifiers: Orphanet 140922, MedGen C1837342, MONDO:0012127, OMIM 608807.
Dilated cardiomyopathy 1G (CMD1G). Identifiers: Orphanet 154, MedGen C1858763, MONDO:0011400, OMIM 604145.

Allele frequency attached by ClinVar (database versions not stated): TOPMed 0.00006; gnomAD exomes 0.00007 and 0.00011; gnomAD 0.00009; ExAC 0.00010; ESP Exome Variant Server 0.00025.
gnomAD v4.1: 163 of 1,572,358 alleles (0.01%); highest among the groups gnomAD compares: Non-Finnish European, 0.014%; no homozygotes.

Submissions (5):

Illumina Laboratory Services, Illumina
Classification: Uncertain significance for Autosomal recessive limb-girdle muscular dystrophy type 2J. Last evaluated: 2018-01-13. Review status: criteria provided, single submitter. Criteria: ICSL Variant Classification Criteria 13 December 2019. Collection method: clinical testing. Allele origin: germline.

Illumina Laboratory Services, Illumina
Classification: Likely benign for Myopathy, myofibrillar, 9, with early respiratory failure. Last evaluated: 2018-01-13. Review status: criteria provided, single submitter. Criteria: ICSL Variant Classification Criteria 13 December 2019. Collection method: clinical testing. Allele origin: germline.
Comment: This variant was observed in the ICSL laboratory as part of a predisposition screen in an ostensibly healthy population. It had not been previously curated by ICSL or reported in the Human Gene Mutation Database (HGMD: prior to June 1st, 2018), and was therefore a candidate for classification through an automated scoring system. Utilizing variant allele frequency, disease prevalence and penetrance estimates, and inheritance mode, an automated score was calculated to assess if this variant is too frequent to cause the disease. Based on the score and internal cut-off values, a variant classified as likely benign is not then subjected to further curation. The score for this variant resulted in a classification of likely benign for this disease.

Illumina Laboratory Services, Illumina
Classification: Uncertain significance for Dilated cardiomyopathy 1G. Last evaluated: 2018-01-13. Review status: criteria provided, single submitter. Criteria: ICSL Variant Classification Criteria 13 December 2019. Collection method: clinical testing. Allele origin: germline.

Illumina Laboratory Services, Illumina
Classification: Benign for Tibial muscular dystrophy. Last evaluated: 2018-01-13. Review status: criteria provided, single submitter. Criteria: ICSL Variant Classification Criteria 13 December 2019. Collection method: clinical testing. Allele origin: germline.
Comment: This variant was observed in the ICSL laboratory as part of a predisposition screen in an ostensibly healthy population. It had not been previously curated by ICSL or reported in the Human Gene Mutation Database (HGMD: prior to June 1st, 2018), and was therefore a candidate for classification through an automated scoring system. Utilizing variant allele frequency, disease prevalence and penetrance estimates, and inheritance mode, an automated score was calculated to assess if this variant is too frequent to cause the disease. Based on the score and internal cut-off values, a variant classified as benign is not then subjected to further curation. The score for this variant resulted in a classification of benign for this disease.

Illumina Laboratory Services, Illumina
Classification: Uncertain significance for Early-onset myopathy with fatal cardiomyopathy. Last evaluated: 2018-01-13. Review status: criteria provided, single submitter. Criteria: ICSL Variant Classification Criteria 13 December 2019. Collection method: clinical testing. Allele origin: germline.